The following is an entry in ClinVar:

NM_000742.4(CHRNA2):c.29C>A (p.Ser10Tyr)

Gene: CHRNA2 (cholinergic receptor nicotinic alpha 2 subunit; minus strand). Cytogenetic location: 8p21.2.
Variant type: single nucleotide variant.
Coding change: c.29C>A on transcript NM_000742.4 (MANE Select); coding-DNA position 29, C replaced by A.
Protein change: p.Ser10Tyr; replaces serine 10 with tyrosine.
Molecular consequence: missense variant. On other transcripts: 5 prime UTR variant (4).
Genome position (GRCh38, 1-based): chr8:27,471,030, G>T on the plus strand (C>A on the coding strand, the complement: CHRNA2 is on the minus strand). VCF-style: chr8-27471030-G-T. GRCh37 (hg19) VCF-style: chr8-27328547-G-T.
Other names: c.29C>A, p.Ser10Tyr (NM_001282455.2); c.-399C>A (NM_001347705.2); c.-444C>A (NM_001347706.2); c.-385C>A (NM_001347707.2); c.-433C>A (NM_001347708.2); short protein forms S10Y.
Identifiers: ClinVar variation 2759496 (VCV002759496.3), dbSNP rs764360561, ClinGen allele CA4689821.

ClinVar aggregate classification (germline): Uncertain significance (1 of 4 stars; one submission).

Conditions:
Familial sleep-related hypermotor epilepsy. Also called: Autosomal Dominant Sleep-Related Hypermotor (Hyperkinetic) Epilepsy. Identifiers: Orphanet 98784, MedGen C3696898, MONDO:0000030.

Allele frequency attached by ClinVar (database versions not stated): TOPMed below 0.00001; ExAC 0.00001.

Submission:

Labcorp Genetics (formerly Invitae), Labcorp
Classification: Uncertain significance. Last evaluated: 2023-09-19. Review status: criteria provided, single submitter. Criteria: Invitae Variant Classification Sherloc (09022015). Collection method: clinical testing. Allele origin: germline.
Comment: In summary, the available evidence is currently insufficient to determine the role of this variant in disease. Therefore, it has been classified as a Variant of Uncertain Significance. Advanced modeling of protein sequence and biophysical properties (such as structural, functional, and spatial information, amino acid conservation, physicochemical variation, residue mobility, and thermodynamic stability) performed at Invitae indicates that this missense variant is not expected to disrupt CHRNA2 protein function. This variant has not been reported in the literature in individuals affected with CHRNA2-related conditions. This variant is present in population databases (rs764360561, gnomAD 0.003%). This sequence change replaces serine, which is neutral and polar, with tyrosine, which is neutral and polar, at codon 10 of the CHRNA2 protein (p.Ser10Tyr).